The following is an entry in ClinVar:

ClinVar aggregate classification (germline): Uncertain significance. Review status: criteria provided, single submitter (1 of 4 stars). 2 submissions from 2 submitters: Uncertain significance (1). 1 of the submissions does not count toward it. Last evaluated 2024-02-08.

Conditions:
Prostate cancer, hereditary, 1 (HPC1). Identifiers: Orphanet 1331, MedGen C4722327, MONDO:0011098, OMIM 601518.

Submissions (2):

Labcorp Genetics (formerly Invitae), Labcorp
Classification: Uncertain significance. Last evaluated: 2024-02-08. Review status: criteria provided, single submitter. Criteria: Invitae Variant Classification Sherloc (09022015). Collection method: clinical testing. Allele origin: germline.
Comment: This sequence change replaces alanine, which is neutral and non-polar, with proline, which is neutral and non-polar, at codon 76 of the HOXB13 protein (p.Ala76Pro). This variant is not present in population databases (gnomAD no frequency). This variant has not been reported in the literature in individuals affected with HOXB13-related conditions. ClinVar contains an entry for this variant (Variation ID: 690647). Advanced modeling of protein sequence and biophysical properties (such as structural, functional, and spatial information, amino acid conservation, physicochemical variation, residue mobility, and thermodynamic stability) performed at Invitae indicates that this missense variant is not expected to disrupt HOXB13 protein function with a negative predictive value of 80%. In summary, the available evidence is currently insufficient to determine the role of this variant in disease. Therefore, it has been classified as a Variant of Uncertain Significance.

Laboratory of Virology, Microbiology,  Quality and Medical Biotechnologies, Faculty of Sciences and Techniques - Mohammedia, Hassan II University of Casablanca
Classification: Uncertain significance for Prostate cancer, hereditary, 1. Review status: no assertion criteria provided. Collection method: clinical testing. Allele origin: somatic. Affected: yes. Not counted in ClinVar's aggregate classification.

NM_006361.6(HOXB13):c.226G>C (p.Ala76Pro)

Gene: HOXB13 (homeobox B13; minus strand). Cytogenetic location: 17q21.32.
Variant type: single nucleotide variant.
Coding change: c.226G>C on transcript NM_006361.6 (MANE Select); coding-DNA position 226, G replaced by C.
Protein change: p.Ala76Pro; replaces alanine 76 with proline.
Molecular consequence: missense variant.
Genome position (GRCh38, 1-based): chr17:48,728,368, C>G on the plus strand (G>C on the coding strand, the complement: HOXB13 is on the minus strand). VCF-style: chr17-48728368-C-G. GRCh37 (hg19) VCF-style: chr17-46805730-C-G.
Other names: short protein forms A76P.
Identifiers: ClinVar variation 690647 (VCV000690647.4), dbSNP rs1390422355, ClinGen allele CA400107888.
Genomic context (GRCh38, chr17:48,728,368, plus strand): 5'-AGCTCCGGGACACTCGGCAGGAGTAGTACCCGCCTCCAAAGTAACCATAAGGCACGGGAG[C>G]TGGGGACGTCCCCTGGGGCACCCCAGGGCATGGGTGGCATTGCTTTGGCGGCTCCGCCGA-3'
Protein context (NP_006352.2, residues 66-86): CPGVPQGTSP[Ala76Pro]PVPYGYFGGG